The following is an entry in ClinVar:

ClinVar aggregate classification (germline): Uncertain significance. Review status: criteria provided, multiple submitters, no conflicts (2 of 4 stars). 2 submissions from 2 submitters: Uncertain significance (2). Last evaluated 2025-06-18.

Conditions:
Early-infantile DEE. Also called: Ohtahara syndrome; Early infantile epileptic encephalopathy; Early infantile epileptic encephalopathy with suppression bursts. Identifiers: Orphanet 1934, MedGen C0393706, MONDO:0800491.
Inborn genetic diseases. Identifiers: MedGen C0950123, MeSH D030342.

Allele frequency attached by ClinVar (database versions not stated): ExAC 0.00002; gnomAD exomes below 0.00001.
gnomAD v4.1: 4 of 1,613,264 alleles (0.00025%); highest among the groups gnomAD compares: East Asian, 0.0089%; no homozygotes.

Submissions (2):

Ambry Genetics
Classification: Uncertain significance for Inborn genetic diseases. Last evaluated: 2025-06-18. Review status: criteria provided, single submitter. Criteria: Ambry Variant Classification Scheme 2023. Collection method: clinical testing. Allele origin: germline.

Labcorp Genetics (formerly Invitae), Labcorp
Classification: Uncertain significance for Early-infantile DEE. Last evaluated: 2025-06-18. Review status: criteria provided, single submitter. Criteria: Invitae Variant Classification Sherloc (09022015). Collection method: clinical testing. Allele origin: germline.
Comment: This sequence change replaces phenylalanine, which is neutral and non-polar, with isoleucine, which is neutral and non-polar, at codon 527 of the KCNQ2 protein (p.Phe527Ile). This variant is present in population databases (rs757181769, gnomAD 0.02%). This variant has not been reported in the literature in individuals affected with KCNQ2-related conditions. ClinVar contains an entry for this variant (Variation ID: 2750319). Invitae Evidence Modeling of protein sequence and biophysical properties (such as structural, functional, and spatial information, amino acid conservation, physicochemical variation, residue mobility, and thermodynamic stability) indicates that this missense variant is expected to disrupt KCNQ2 protein function with a positive predictive value of 95%. In summary, the available evidence is currently insufficient to determine the role of this variant in disease. Therefore, it has been classified as a Variant of Uncertain Significance.

NM_172107.4(KCNQ2):c.1579T>A (p.Phe527Ile)

Gene: KCNQ2 (potassium voltage-gated channel subfamily Q member 2; minus strand). Cytogenetic location: 20q13.33.
Variant type: single nucleotide variant.
Coding change: c.1579T>A on transcript NM_172107.4 (MANE Select); coding-DNA position 1579, T replaced by A.
Protein change: p.Phe527Ile; replaces phenylalanine 527 with isoleucine.
Molecular consequence: missense variant.
Genome position (GRCh38, 1-based): chr20:63,414,140, A>T on the plus strand (T>A on the coding strand, the complement: KCNQ2 is on the minus strand). VCF-style: chr20-63414140-A-T. GRCh37 (hg19) VCF-style: chr20-62045493-A-T.
Other names: c.1525T>A, p.Phe509Ile (NM_001382235.1, NM_172106.3); c.1495T>A, p.Phe499Ile (NM_004518.6); c.1486T>A, p.Phe496Ile (NM_172108.5); c.1579T>A (NM_172107.2); short protein forms F527I, F496I, F499I, F509I.
Identifiers: ClinVar variation 2750319 (VCV002750319.4), dbSNP rs757181769, ClinGen allele CA9958401.